The following is an entry in ClinVar:

ClinVar aggregate classification (germline): Likely benign. Review status: criteria provided, multiple submitters, no conflicts (2 of 4 stars). 4 submissions from 4 submitters: Likely benign (4). Last evaluated 2024-01-16.

Conditions:
Familial thoracic aortic aneurysm and aortic dissection (TAAD). Also called: Thoracic aortic aneurysms and dissections. Identifiers: Orphanet 91387, MedGen C4707243, MONDO:0019625.
Aortic aneurysm, familial thoracic 6 (AAT6). Also called: FAMILIAL THORACIC AORTIC ANEURYSM WITH LIVEDO RETICULARIS AND IRIS FLOCCULI. Identifiers: MedGen C2673186, MONDO:0012730, OMIM 611788.

Allele frequency attached by ClinVar (database versions not stated): TOPMed below 0.00001; ExAC 0.00002; gnomAD exomes 0.00002 and 0.00003.
gnomAD v4.1: 24 of 1,613,900 alleles (0.0015%); highest among the groups gnomAD compares: South Asian, 0.011%; no homozygotes.

Submissions (4):

Ambry Genetics
Classification: Likely benign for Familial thoracic aortic aneurysm and aortic dissection. Last evaluated: 2024-01-16. Review status: criteria provided, single submitter. Criteria: Ambry Variant Classification Scheme 2023. Collection method: clinical testing. Allele origin: germline.

All of Us Research Program, National Institutes of Health
Classification: Likely benign for Familial thoracic aortic aneurysm and aortic dissection. Last evaluated: 2023-08-15. Review status: criteria provided, single submitter. Criteria: ACMG Guidelines, 2015. Collection method: clinical testing. Allele origin: germline. Inheritance: Autosomal dominant inheritance. Observed: 2 variant alleles, 2 heterozygotes.
Comment: This study involves interpretation of variants in research participants for the purpose of population health screening. Participant phenotype was not available at the time of variant classification. Additional details can be found in publication PMID: 35346344, PMCID: PMC8962531

Labcorp Genetics (formerly Invitae), Labcorp
Classification: Likely benign for Aortic aneurysm, familial thoracic 6. Last evaluated: 2023-03-13. Review status: criteria provided, single submitter. Criteria: Invitae Variant Classification Sherloc (09022015). Collection method: clinical testing. Allele origin: germline.

Color Diagnostics, LLC DBA Color Health
Classification: Likely benign for Familial thoracic aortic aneurysm and aortic dissection. Last evaluated: 2020-01-09. Review status: criteria provided, single submitter. Criteria: ACMG Guidelines, 2015. Collection method: clinical testing. Allele origin: germline.

NM_001613.4(ACTA2):c.1092C>T (p.Tyr364=)

Genes: ACTA2 (actin alpha 2, smooth muscle; minus strand), ACTA2-AS1 (ACTA2 antisense RNA 1; plus strand). Cytogenetic location: 10q23.31.
Variant type: single nucleotide variant.
Coding change: c.1092C>T on transcript NM_001613.4 (MANE Select); coding-DNA position 1092, C replaced by T.
Protein change: p.Tyr364=; no amino-acid change (tyrosine 364 retained).
Molecular consequence: synonymous variant. On other transcripts: non-coding transcript variant (1).
Genome position (GRCh38, 1-based): chr10:88,935,265, G>A on the plus strand (C>T on the coding strand, the complement: ACTA2 is on the minus strand). VCF-style: chr10-88935265-G-A. GRCh37 (hg19) VCF-style: chr10-90695022-G-A.
Other names: c.1092C>T, p.Tyr364= (NM_001141945.3, NM_001320855.2, NM_001406462.1 and 2 more transcripts); c.981C>T, p.Tyr327= (NM_001406466.1); c.963C>T, p.Tyr321= (NM_001406467.1, NM_001406468.1, NM_001406469.1); c.900C>T, p.Tyr300= (NM_001406471.1).
Identifiers: ClinVar variation 922572 (VCV000922572.14), dbSNP rs754695149, ClinGen allele CA026738.